The following is an entry in ClinVar:

NM_004360.5(CDH1):c.47dup (p.Val17fs)

Gene: CDH1 (cadherin 1; plus strand). Cytogenetic location: 16q22.1.
Variant type: Duplication.
Coding change: c.47dup on transcript NM_004360.5 (MANE Select); coding-DNA position 47, one base duplicated (A; older notation c.47dupA).
Protein change: p.Val17fs; shifts the reading frame from valine 17.
Molecular consequence: frameshift variant. On other transcripts: 5 prime UTR variant (2).
Genome position (GRCh38, 1-based): chr16:68,737,462, A duplicated. VCF-style (leftmost placement, unchanged base first): chr16-68737461-C-CA. GRCh37 (hg19) VCF-style: chr16-68771364-C-CA.
Other names: c.47dup, p.Val17fs (NM_001317184.2); c.-1569dup (NM_001317185.2); c.-1773dup (NM_001317186.2); short protein forms V17fs.
Identifiers: ClinVar variation 2583689 (VCV002583689.2), dbSNP rs2543814287, ClinGen allele CA2582342542.

ClinVar aggregate classification (germline): Pathogenic (1 of 4 stars; one submission).

Conditions:
Hereditary diffuse gastric adenocarcinoma (HDGC). Also called: DIFFUSE GASTRIC AND LOBULAR BREAST CANCER SYNDROME. Identifiers: Orphanet 26106, MedGen C1708349, MONDO:0007648, OMIM 137215.

Submission:

Myriad Genetics, Inc.
Classification: Pathogenic for Hereditary diffuse gastric adenocarcinoma. Last evaluated: 2023-06-08. Review status: criteria provided, single submitter. Criteria: Myriad Autosomal Dominant, Autosomal Recessive and X-Linked Classification Criteria (2023). Collection method: clinical testing. Allele origin: unknown.
Comment: This variant is considered pathogenic. This variant creates a frameshift predicted to result in premature protein truncation.